The following is an entry in ClinVar:

NM_000492.4(CFTR):c.2045dup (p.Gln685fs)

Gene: CFTR (CF transmembrane conductance regulator; plus strand). Cytogenetic location: 7q31.2.
Variant type: Duplication.
Coding change: c.2045dup on transcript NM_000492.4 (MANE Select); coding-DNA position 2045, one base duplicated (C; older notation c.2045dupC).
Protein change: p.Gln685fs; shifts the reading frame from glutamine 685.
Molecular consequence: frameshift variant.
Genome position (GRCh38, 1-based): chr7:117,592,212, C duplicated. VCF-style (leftmost placement, unchanged base first): chr7-117592211-A-AC. GRCh37 (hg19) VCF-style: chr7-117232265-A-AC.
Other names: short protein forms Q685fs.
Identifiers: ClinVar variation 53430 (VCV000053430.2), dbSNP rs397508334, ClinGen allele CA326736.
Genomic context (GRCh38, chr7:117,592,211, plus strand): 5'-CTAACTGAGACCTTACACCGTTTCTCATTAGAAGGAGATGCTCCTGTCTCCTGGACAGAA[A>AC]CAAAAAAACAATCTTTTAAACAGACTGGAGAGTTTGGGGAAAAAAGGAAGAATTCTATTC-3'

ClinVar aggregate classification (germline): Pathogenic. Review status: criteria provided, single submitter (1 of 4 stars). 2 submissions from 2 submitters: Pathogenic (1). 1 of the submissions does not count toward it. Last evaluated 2018-01-29.

Conditions:
CFTR-related disorder (CFTR-RD). Also called: CFTR-related condition; CFTR-related disorders. Identifiers: MedGen C5924204, MONDO:7770004.
Cystic fibrosis (CF). Also called: MUCOVISCIDOSIS. Identifiers: Orphanet 586, MedGen C0010674, MONDO:0009061, OMIM 219700. Disease mechanism: loss of function.

Submissions (2):

CFTR-France
Classification: Pathogenic for cystic fibrosis; CFTR-related disorders. Last evaluated: 2018-01-29. Review status: criteria provided, single submitter. Criteria: Claustres M et al. (Hum Mutat 2017). Collection method: curation. Allele origin: germline. Affected: yes.
Comment: the variant causes a phenotype but regarding our data, we can't formally attribute it to CF, CFTR-RD or both

ClinVar Staff, National Center for Biotechnology Information (NCBI)
No classification provided. Condition: CFTR-related disorders. Review status: no classification provided. Collection method: literature only. Allele origin: germline. Affected: yes. Not counted in ClinVar's aggregate classification.

Literature cited by the submitters: PubMed 10439967 (cited by ClinVar Staff, National Center for Biotechnology Information (NCBI)).